The following is an entry in ClinVar:

ClinVar aggregate classification (germline): Uncertain significance (1 of 4 stars; one submission).

Conditions:
Inborn genetic diseases. Identifiers: MedGen C0950123, MeSH D030342.

gnomAD v4.1: 5 of 1,598,824 alleles (0.00031%); highest among the groups gnomAD compares: Non-Finnish European, 0.00034%; no homozygotes.

Submission:

Ambry Genetics
Classification: Uncertain significance for Inborn genetic diseases. Last evaluated: 2025-05-30. Review status: criteria provided, single submitter. Criteria: Ambry Variant Classification Scheme 2023. Collection method: clinical testing. Allele origin: germline.
Comment: The p.N940S variant (also known as c.2819A>G), located in coding exon 20 of the MIB1 gene, results from an A to G substitution at nucleotide position 2819. The asparagine at codon 940 is replaced by serine, an amino acid with highly similar properties. This amino acid position is conserved. In addition, this alteration is predicted to be tolerated by in silico analysis. Based on the available evidence, the clinical significance of this variant remains unclear.

NM_020774.4(MIB1):c.2819A>G (p.Asn940Ser)

Gene: MIB1 (MIB E3 ubiquitin protein ligase 1; plus strand). Cytogenetic location: 18q11.2.
Variant type: single nucleotide variant.
Coding change: c.2819A>G on transcript NM_020774.4 (MANE Select); coding-DNA position 2819, A replaced by G.
Protein change: p.Asn940Ser; replaces asparagine 940 with serine.
Molecular consequence: missense variant.
Genome position (GRCh38, 1-based): chr18:21,858,585, A>G. VCF-style: chr18-21858585-A-G. GRCh37 (hg19) VCF-style: chr18-19438546-A-G.
Other names: short protein forms N940S.
Identifiers: ClinVar variation 4054638 (VCV004054638.1).